The following is an entry in ClinVar:

NM_002332.3(LRP1):c.6041C>T (p.Thr2014Ile)

Gene: LRP1 (LDL receptor related protein 1; plus strand). Cytogenetic location: 12q13.3.
Variant type: single nucleotide variant.
Coding change: c.6041C>T on transcript NM_002332.3 (MANE Select); coding-DNA position 6041, C replaced by T.
Protein change: p.Thr2014Ile; replaces threonine 2014 with isoleucine.
Molecular consequence: missense variant.
Genome position (GRCh38, 1-based): chr12:57,184,196, C>T. VCF-style: chr12-57184196-C-T. GRCh37 (hg19) VCF-style: chr12-57577979-C-T.
Other names: short protein forms T2014I.
Identifiers: ClinVar variation 4976643 (VCV004976643.2).

ClinVar aggregate classification (germline): Uncertain significance (1 of 4 stars; one submission).

Submission:

GeneDx
Classification: Uncertain significance. Last evaluated: 2026-10-23. Review status: criteria provided, single submitter. Criteria: GeneDx Variant Classification Process June 2021. Collection method: clinical testing. Allele origin: germline.
Comment: Not observed at significant frequency in large population cohorts (gnomAD); In silico analysis suggests that this missense variant does not alter protein structure/function; Has not been previously published as pathogenic or benign to our knowledge